The following is an entry in ClinVar:

NM_005216.5(DDOST):c.456+18C>T

Gene: DDOST (dolichyl-diphosphooligosaccharide--protein glycosyltransferase non-catalytic subunit; minus strand). Cytogenetic location: 1p36.12.
Variant type: single nucleotide variant.
Coding change: c.456+18C>T on transcript NM_005216.5 (MANE Select); 18 bases into the intron after coding-DNA position 456, C replaced by T.
Molecular consequence: intron variant.
Genome position (GRCh38, 1-based): chr1:20,655,658, G>A on the plus strand (C>T on the coding strand, the complement: DDOST is on the minus strand). VCF-style: chr1-20655658-G-A. GRCh37 (hg19) VCF-style: chr1-20982151-G-A.
Other names: p.?.
Identifiers: ClinVar variation 379964 (VCV000379964.12), dbSNP rs3738140, ClinGen allele CA661235.
Genomic context (GRCh38, chr1:20,655,658, plus strand): 5'-CTCACACCCTCTTGGCTTTTGGCTAAGCAGAGCTTTGCCATATGCCCCTGAAACCTGGAA[G>A]GTGACAGGCCTGATTACCTGGCCAAGGTCTGAGATGTCATAGTTGTGATGGTCAATGACA-3'

ClinVar aggregate classification (germline): Benign. Review status: criteria provided, multiple submitters, no conflicts (2 of 4 stars). 4 submissions from 4 submitters: Benign (4). Last evaluated 2026-02-01.

Conditions:
Congenital disorder of glycosylation type Ir (CDG1R). Also called: DDOST-congenital disorder of glycosylation. Identifiers: Orphanet 300536, MedGen C3281084, MONDO:0013789, OMIM 614507.

Allele frequency attached by ClinVar (database versions not stated): 1000 Genomes Project 30x 0.15116; 1000 Genomes Project 0.15375; gnomAD exomes 0.17771 and 0.19528; ExAC 0.18178; TOPMed 0.18500; gnomAD 0.19043 and 0.19425; ESP Exome Variant Server 0.19714.

Submissions (4):

Labcorp Genetics (formerly Invitae), Labcorp
Classification: Benign for Congenital disorder of glycosylation type Ir. Last evaluated: 2026-02-01. Review status: criteria provided, single submitter. Criteria: Invitae Variant Classification Sherloc (09022015). Collection method: clinical testing. Allele origin: germline.

Mayo Clinic Laboratories, Mayo Clinic
Classification: Benign. Last evaluated: 2018-11-08. Review status: criteria provided, single submitter. Criteria: ACMG Guidelines, 2015. Collection method: clinical testing. Allele origin: germline. Observed: 19 variant alleles.

GeneDx
Classification: Benign. Last evaluated: 2015-12-02. Review status: criteria provided, single submitter. Criteria: GeneDx Variant Classification (06012015). Collection method: clinical testing. Allele origin: germline. Affected: yes.
Comment: This variant is considered likely benign or benign based on one or more of the following criteria: it is a conservative change, it occurs at a poorly conserved position in the protein, it is predicted to be benign by multiple in silico algorithms, and/or has population frequency not consistent with disease.

Breakthrough Genomics
Classification: Benign. Review status: criteria provided, single submitter. Criteria: ACMG Guidelines, 2015. Collection method: not provided. Allele origin: germline. Inheritance: Autosomal recessive inheritance. Affected: yes.